The following is an entry in ClinVar:

ClinVar aggregate classification (germline): Uncertain significance. Review status: criteria provided, multiple submitters, no conflicts (2 of 4 stars). 2 submissions from 2 submitters: Uncertain significance (2). Last evaluated 2025-11-12.

Conditions:
Inborn genetic diseases. Identifiers: MedGen C0950123, MeSH D030342.
Facioscapulohumeral muscular dystrophy 2 (FSHD2). Also called: MUSCULAR DYSTROPHY, FACIOSCAPULOHUMERAL, TYPE 1B; FACIOSCAPULOHUMERAL MUSCULAR DYSTROPHY 2, DIGENIC; FSHD2, DIGENIC. Identifiers: Orphanet 269, MedGen C1834671, MONDO:0008031, OMIM 158901.

Allele frequency attached by ClinVar (database versions not stated): ExAC 0.00001; gnomAD 0.00001; TOPMed 0.00001; ESP Exome Variant Server 0.00008.

Submissions (2):

Ambry Genetics
Classification: Uncertain significance for Inborn genetic diseases. Last evaluated: 2025-11-12. Review status: criteria provided, single submitter. Criteria: Ambry Variant Classification Scheme 2023. Collection method: clinical testing. Allele origin: germline.

Labcorp Genetics (formerly Invitae), Labcorp
Classification: Uncertain significance for Facioscapulohumeral muscular dystrophy 2. Last evaluated: 2023-06-20. Review status: criteria provided, single submitter. Criteria: Invitae Variant Classification Sherloc (09022015). Collection method: clinical testing. Allele origin: germline.
Comment: This variant has not been reported in the literature in individuals affected with SMCHD1-related conditions. This variant is present in population databases (rs370499835, gnomAD 0.01%). This sequence change replaces leucine, which is neutral and non-polar, with proline, which is neutral and non-polar, at codon 1265 of the SMCHD1 protein (p.Leu1265Pro). ClinVar contains an entry for this variant (Variation ID: 1951900). In summary, the available evidence is currently insufficient to determine the role of this variant in disease. Therefore, it has been classified as a Variant of Uncertain Significance. An algorithm developed to predict the effect of missense changes on protein structure and function (PolyPhen-2) suggests that this variant is likely to be disruptive.

NM_015295.3(SMCHD1):c.3794T>C (p.Leu1265Pro)

Gene: SMCHD1 (structural maintenance of chromosomes flexible hinge domain containing 1; plus strand). Cytogenetic location: 18p11.32.
Variant type: single nucleotide variant.
Coding change: c.3794T>C on transcript NM_015295.3 (MANE Select); coding-DNA position 3794, T replaced by C.
Protein change: p.Leu1265Pro; replaces leucine 1265 with proline.
Molecular consequence: missense variant.
Genome position (GRCh38, 1-based): chr18:2,743,921, T>C. VCF-style: chr18-2743921-T-C. GRCh37 (hg19) VCF-style: chr18-2743919-T-C.
Other names: c.3794T>C (NM_015295.2); short protein forms L1265P.
Identifiers: ClinVar variation 1951900 (VCV001951900.7), dbSNP rs370499835, ClinGen allele CA8871296.